The following is an entry in ClinVar:

NM_207122.2(EXT2):c.1040C>G (p.Ser347Cys)

Gene: EXT2 (exostosin glycosyltransferase 2; plus strand). Cytogenetic location: 11p11.2.
Variant type: single nucleotide variant.
Coding change: c.1040C>G on transcript NM_207122.2 (MANE Select); coding-DNA position 1040, C replaced by G.
Protein change: p.Ser347Cys; replaces serine 347 with cysteine.
Molecular consequence: missense variant.
Genome position (GRCh38, 1-based): chr11:44,126,916, C>G. VCF-style: chr11-44126916-C-G. GRCh37 (hg19) VCF-style: chr11-44148466-C-G.
Other names: c.1139C>G, p.Ser380Cys (NM_000401.3); c.1040C>G, p.Ser347Cys (NM_001178083.3, NM_001389628.1, NM_001389630.1); short protein forms S347C, S380C.
Identifiers: ClinVar variation 2910977 (VCV002910977.4), dbSNP rs746031826, ClinGen allele CA5955081.

ClinVar aggregate classification (germline): Uncertain significance. Review status: criteria provided, multiple submitters, no conflicts (2 of 4 stars). 2 submissions from 2 submitters: Uncertain significance (2). Last evaluated 2024-02-21.

Conditions:
Seizures-scoliosis-macrocephaly syndrome. Also called: Seizures, scoliosis, and macrocephaly syndrome; SEIZURES, SCOLIOSIS, AND MACROCEPHALY/MICROCEPHALY SYNDROME. Identifiers: Orphanet 466926, MedGen C4225248, MONDO:0014731, OMIM 616682.
Exostoses, multiple, type 2 (EXT2). Also called: Hereditary Multiple Osteochondromatosis, Type II; EXOSTOSES, MULTIPLE, TYPE II. Identifiers: Orphanet 321, MedGen C1851413, MONDO:0007586, OMIM 133701.

Allele frequency attached by ClinVar (database versions not stated): gnomAD exomes below 0.00001; ExAC 0.00003; gnomAD 0.00003; TOPMed 0.00003.
gnomAD v4.1: 13 of 1,614,008 alleles (0.00081%); highest among the groups gnomAD compares: East Asian, 0.016%; no homozygotes.

Submissions (2):

Fulgent Genetics
Classification: Uncertain significance for Exostoses, multiple, type 2; Seizures-scoliosis-macrocephaly syndrome. Last evaluated: 2024-02-21. Review status: criteria provided, single submitter. Criteria: ACMG Guidelines, 2015. Collection method: clinical testing. Allele origin: germline.

Labcorp Genetics (formerly Invitae), Labcorp
Classification: Uncertain significance for Exostoses, multiple, type 2. Last evaluated: 2023-08-05. Review status: criteria provided, single submitter. Criteria: Invitae Variant Classification Sherloc (09022015). Collection method: clinical testing. Allele origin: germline.
Comment: Advanced modeling of protein sequence and biophysical properties (such as structural, functional, and spatial information, amino acid conservation, physicochemical variation, residue mobility, and thermodynamic stability) performed at Invitae indicates that this missense variant is not expected to disrupt EXT2 protein function. This variant has not been reported in the literature in individuals affected with EXT2-related conditions. This variant is present in population databases (rs746031826, gnomAD 0.05%). This sequence change replaces serine, which is neutral and polar, with cysteine, which is neutral and slightly polar, at codon 347 of the EXT2 protein (p.Ser347Cys). In summary, the available evidence is currently insufficient to determine the role of this variant in disease. Therefore, it has been classified as a Variant of Uncertain Significance.